The following is an entry in ClinVar:

NM_004380.3(CREBBP):c.5684A>G (p.Gln1895Arg)

Gene: CREBBP (CREB binding protein; minus strand). Cytogenetic location: 16p13.3.
Variant type: single nucleotide variant.
Coding change: c.5684A>G on transcript NM_004380.3 (MANE Select); coding-DNA position 5684, A replaced by G.
Protein change: p.Gln1895Arg; replaces glutamine 1895 with arginine.
Molecular consequence: missense variant.
Genome position (GRCh38, 1-based): chr16:3,729,363, T>C on the plus strand (A>G on the coding strand, the complement: CREBBP is on the minus strand). VCF-style: chr16-3729363-T-C. GRCh37 (hg19) VCF-style: chr16-3779364-T-C.
Other names: c.5570A>G, p.Gln1857Arg (NM_001079846.1); short protein forms Q1857R, Q1895R.
Identifiers: ClinVar variation 3242144 (VCV003242144.1), dbSNP rs2051848262.

ClinVar aggregate classification (germline): Uncertain significance (1 of 4 stars; one submission).

Conditions:
Menke-Hennekam syndrome 1 (MKHK1). Identifiers: MedGen C5193034, MONDO:0020763, OMIM 618332.

Allele frequency attached by ClinVar (database versions not stated): gnomAD exomes below 0.00001.
gnomAD v4.1: 1 of 1,606,426 alleles (0.000062%); highest among the groups gnomAD compares: Non-Finnish European, 0.000085%; no homozygotes.

Submission:

Neuberg Centre For Genomic Medicine, NCGM
Classification: Uncertain significance for Menke-Hennekam syndrome 1. Review status: criteria provided, single submitter. Criteria: ACMG Guidelines, 2015. Collection method: clinical testing. Allele origin: germline. Inheritance: Autosomal dominant inheritance. Affected: yes.
Comment: The missense variant c.5684A>G (p.Gln1895Arg) in the CREBBP gene has not been reported previously as a pathogenic variant nor as a benign variant, to our knowledge. This variant is absent in gnomAD Exomes and 1000 Genomes. The amino acid Glutamine at position 1895 is changed to a Arginine changing protein sequence and it might alter its composition and physico-chemical properties. The amino acid change p.Gln1895Arg in CREBBP is predicted as conserved by GERP++ and PhyloP across 100 vertebrates. For these reasons, this variant has been classified as Uncertain Significance.